The following is an entry in ClinVar:

ClinVar aggregate classification (germline): Uncertain significance (1 of 4 stars; one submission).

Submission:

Labcorp Genetics (formerly Invitae), Labcorp
Classification: Uncertain significance. Last evaluated: 2024-07-12. Review status: criteria provided, single submitter. Criteria: Invitae Variant Classification Sherloc (09022015). Collection method: clinical testing. Allele origin: germline.
Comment: This sequence change replaces cysteine, which is neutral and slightly polar, with tyrosine, which is neutral and polar, at codon 390 of the SCNN1B protein (p.Cys390Tyr). This variant is not present in population databases (gnomAD no frequency). This variant has not been reported in the literature in individuals affected with SCNN1B-related conditions. Advanced modeling of protein sequence and biophysical properties (such as structural, functional, and spatial information, amino acid conservation, physicochemical variation, residue mobility, and thermodynamic stability) performed at Invitae indicates that this missense variant is expected to disrupt SCNN1B protein function with a positive predictive value of 80%. In summary, the available evidence is currently insufficient to determine the role of this variant in disease. Therefore, it has been classified as a Variant of Uncertain Significance.

NM_000336.3(SCNN1B):c.1169G>A (p.Cys390Tyr)

Gene: SCNN1B (sodium channel epithelial 1 subunit beta; plus strand). Cytogenetic location: 16p12.2.
Variant type: single nucleotide variant.
Coding change: c.1169G>A on transcript NM_000336.3 (MANE Select); coding-DNA position 1169, G replaced by A.
Protein change: p.Cys390Tyr; replaces cysteine 390 with tyrosine.
Molecular consequence: missense variant.
Genome position (GRCh38, 1-based): chr16:23,375,754, G>A. VCF-style: chr16-23375754-G-A. GRCh37 (hg19) VCF-style: chr16-23387075-G-A.
Other names: c.1061G>A, p.Cys354Tyr (NM_001410900.1); short protein forms C354Y, C390Y.
Identifiers: ClinVar variation 3678188 (VCV003678188.2).